The following is an entry in ClinVar:

ClinVar aggregate classification (germline): Uncertain significance (1 of 4 stars; one submission).

Submission:

Ambry Genetics
Classification: Uncertain significance. Last evaluated: 2025-03-20. Review status: criteria provided, single submitter. Criteria: Ambry Variant Classification Scheme 2023. Collection method: clinical testing. Allele origin: germline.
Comment: The p.L422P variant (also known as c.1265T>C), located in coding exon 8 of the ATRIP gene, results from a T to C substitution at nucleotide position 1265. The leucine at codon 422 is replaced by proline, an amino acid with similar properties. This amino acid position is conserved. In addition, this alteration is predicted to be deleterious by in silico analysis. Based on the available evidence, the clinical significance of this variant remains unclear.

NM_130384.3(ATRIP):c.1265T>C (p.Leu422Pro)

Genes: ATRIP (ATR interacting protein; plus strand), ATRIP-TREX1 (ATRIP-TREX1 readthrough; plus strand). Cytogenetic location: 3p21.31.
Variant type: single nucleotide variant.
Coding change: c.1265T>C on transcript NM_130384.3 (MANE Select); coding-DNA position 1265, T replaced by C.
Protein change: p.Leu422Pro; replaces leucine 422 with proline.
Molecular consequence: missense variant. On other transcripts: non-coding transcript variant (1).
Genome position (GRCh38, 1-based): chr3:48,460,319, T>C. VCF-style: chr3-48460319-T-C. GRCh37 (hg19) VCF-style: chr3-48501718-T-C.
Other names: c.884T>C, p.Leu295Pro (NM_001271022.2); c.986T>C, p.Leu329Pro (NM_001271023.2); c.1265T>C, p.Leu422Pro (NM_032166.4); short protein forms L295P, L329P, L422P.
Identifiers: ClinVar variation 3975683 (VCV003975683.1).